The following is an entry in ClinVar:

NM_001369.3(DNAH5):c.12614G>T (p.Gly4205Val)

Gene: DNAH5 (dynein axonemal heavy chain 5; minus strand). Cytogenetic location: 5p15.2.
Variant type: single nucleotide variant.
Coding change: c.12614G>T on transcript NM_001369.3 (MANE Select); coding-DNA position 12614, G replaced by T.
Protein change: p.Gly4205Val; replaces glycine 4205 with valine.
Molecular consequence: missense variant.
Genome position (GRCh38, 1-based): chr5:13,717,406, C>A on the plus strand (G>T on the coding strand, the complement: DNAH5 is on the minus strand). VCF-style: chr5-13717406-C-A. GRCh37 (hg19) VCF-style: chr5-13717515-C-A.
Other names: short protein forms G4205V.
Identifiers: ClinVar variation 525262 (VCV000525262.10), dbSNP rs79185772, ClinGen allele CA113919224.
Genomic context (GRCh38, chr5:13,717,406, plus strand): 5'-TGGATGAACTGCACAGTGGCATTAAAGTCCGCTTGGTTAAATTCGTAGGGGATATTCCAC[C>A]CCAGGGCACCGAACTTGCGCCTCTCCTGGACAGTGGAGTGCAGGAAAGCCACTGCGTACA-3'
Protein context (NP_001360.1, residues 4195-4215): VQERRKFGAL[Gly4205Val]WNIPYEFNQA

ClinVar aggregate classification (germline): Pathogenic/Likely pathogenic. Review status: criteria provided, multiple submitters, no conflicts (2 of 4 stars). 2 submissions from 2 submitters: Pathogenic (1); Likely pathogenic (1). Last evaluated 2021-07-08.

Conditions:
DNAH5-related disorders.
Primary ciliary dyskinesia. Also called: Ciliary dyskinesia. Identifiers: Orphanet 244, MedGen C0008780, MONDO:0016575, HP:0012265.

Submissions (2):

Blueprint Genetics
Classification: Likely pathogenic for DNAH5-related disorders. Last evaluated: 2021-07-08. Review status: criteria provided, single submitter. Criteria: ACMG Guidelines, 2015. Collection method: clinical testing. Allele origin: germline. Affected: yes. Observed: 3 variant alleles.

Labcorp Genetics (formerly Invitae), Labcorp
Classification: Pathogenic for Primary ciliary dyskinesia. Last evaluated: 2021-05-27. Review status: criteria provided, single submitter. Criteria: Invitae Variant Classification Sherloc (09022015). Collection method: clinical testing. Allele origin: germline.
Comment: Algorithms developed to predict the effect of sequence changes on RNA splicing suggest that this variant may create or strengthen a splice site, but this prediction has not been confirmed by published transcriptional studies. Advanced modeling of protein sequence and biophysical properties (such as structural, functional, and spatial information, amino acid conservation, physicochemical variation, residue mobility, and thermodynamic stability) performed at Invitae indicates that this missense variant is expected to disrupt DNAH5 protein function. This variant has been observed in individual(s) with primary ciliary dyskinesia (PMID: 16627867, Invitae). ClinVar contains an entry for this variant (Variation ID: 525262). This variant is not present in population databases (ExAC no frequency). This sequence change replaces glycine with valine at codon 4205 of the DNAH5 protein (p.Gly4205Val). The glycine residue is highly conserved and there is a moderate physicochemical difference between glycine and valine. For these reasons, this variant has been classified as Pathogenic.

Literature cited by the submitters: PubMed 16627867 (cited by Labcorp Genetics (formerly Invitae), Labcorp).